The following is an entry in ClinVar:

ClinVar aggregate classification (germline): Likely benign (0 of 4 stars; one submission).

Conditions:
APOL1-related disorder. Also called: APOL1-related condition.

Allele frequency attached by ClinVar (database versions not stated): gnomAD 0.00001; gnomAD exomes 0.00001; ExAC 0.00003; TOPMed 0.00003.

Submission:

PreventionGenetics, part of Exact Sciences
Classification: Likely benign for APOL1-related condition. Last evaluated: 2022-12-20. Review status: no assertion criteria provided. Collection method: clinical testing. Allele origin: germline.
Comment: This variant is classified as likely benign based on ACMG/AMP sequence variant interpretation guidelines (Richards et al. 2015 PMID: 25741868, with internal and published modifications).

NM_003661.4(APOL1):c.315-9C>T

Gene: APOL1 (apolipoprotein L1; plus strand). Cytogenetic location: 22q12.3.
Variant type: single nucleotide variant.
Coding change: c.315-9C>T on transcript NM_003661.4 (MANE Select); 9 bases into the intron before coding-DNA position 315, C replaced by T.
Molecular consequence: intron variant.
Genome position (GRCh38, 1-based): chr22:36,265,142, C>T. VCF-style: chr22-36265142-C-T. GRCh37 (hg19) VCF-style: chr22-36661188-C-T.
Other names: c.363-9C>T (NM_145343.3); c.315-9C>T (NM_001136540.2); c.261-9C>T (NM_001362927.2, NM_001136541.2).
Identifiers: ClinVar variation 3036562 (VCV003036562.2), dbSNP rs765392266, ClinGen allele CA10208654.